The following is an entry in ClinVar:

ClinVar aggregate classification (germline): Likely pathogenic. Review status: criteria provided, multiple submitters, no conflicts (2 of 4 stars). 2 submissions from 2 submitters: Likely pathogenic (2). Last evaluated 2026-01-16.

Conditions:
Niemann-Pick disease, type C1. Also called: NIEMANN-PICK DISEASE, VARIANT TYPE C1; NEUROVISCERAL STORAGE DISEASE WITH VERTICAL SUPRANUCLEAR OPHTHALMOPLEGIA; NIEMANN-PICK DISEASE WITH CHOLESTEROL ESTERIFICATION BLOCK; NIEMANN-PICK DISEASE WITHOUT SPHINGOMYELINASE DEFICIENCY; NIEMANN-PICK DISEASE, CHRONIC NEURONOPATHIC FORM. Identifiers: Orphanet 646, MedGen C3179455, MONDO:0009757, OMIM 257220.

gnomAD v4.1: 3 of 1,609,968 alleles (0.00019%); highest among the groups gnomAD compares: East Asian, 0.0022%; no homozygotes.

Submissions (2):

Natera, Inc.
Classification: Likely pathogenic for Niemann-Pick disease type C1. Last evaluated: 2026-01-16. Review status: criteria provided, single submitter. Criteria: Natera Variant Classification Schema (03/2026). Collection method: clinical testing. Allele origin: germline.
Comment: The c.1844G>A variant in NPC1 is a missense variant predicted to cause substitution of arginine to histidine at amino acid 615. This variant is rare in the general population with a frequency below the threshold expected for the associated phenotype(s). This variant has been observed in one or more individuals affected with the associated recessive disease, as either homozygous or compound heterozygous with a second variant (PMID: 38131230). A different variant at the same position has been determined to be Pathogenic or Likely Pathogenic. Computational prediction algorithms indicate this variant is likely to affect gene or protein function. Given the available evidence, this variant is classified as Likely Pathogenic.

Labcorp Genetics (formerly Invitae), Labcorp
Classification: Likely pathogenic for Niemann-Pick disease, type C1. Last evaluated: 2024-10-16. Review status: criteria provided, single submitter. Criteria: Invitae Variant Classification Sherloc (09022015). Collection method: clinical testing. Allele origin: germline.
Comment: This sequence change replaces arginine, which is basic and polar, with histidine, which is basic and polar, at codon 615 of the NPC1 protein (p.Arg615His). This variant is present in population databases (no rsID available, gnomAD 0.006%). This missense change has been observed in individual(s) with clinical features of Niemann-Pick disease type C (PMID: 30820861). ClinVar contains an entry for this variant (Variation ID: 1491496). Invitae Evidence Modeling of protein sequence and biophysical properties (such as structural, functional, and spatial information, amino acid conservation, physicochemical variation, residue mobility, and thermodynamic stability) indicates that this missense variant is expected to disrupt NPC1 protein function with a positive predictive value of 95%. This variant disrupts the p.Arg615 amino acid residue in NPC1. Other variant(s) that disrupt this residue have been determined to be pathogenic (PMID: 26666848). This suggests that this residue is clinically significant, and that variants that disrupt this residue are likely to be disease-causing. In summary, the currently available evidence indicates that the variant is pathogenic, but additional data are needed to prove that conclusively. Therefore, this variant has been classified as Likely Pathogenic.

Literature cited by the submitters: PubMed 38131230 (cited by Natera, Inc.); PubMed 30820861 (cited by Labcorp Genetics (formerly Invitae), Labcorp); PubMed 26666848 (cited by Labcorp Genetics (formerly Invitae), Labcorp).

NM_000271.5(NPC1):c.1844G>A (p.Arg615His)

Gene: NPC1 (NPC intracellular cholesterol transporter 1; minus strand). Cytogenetic location: 18q11.2.
Variant type: single nucleotide variant.
Coding change: c.1844G>A on transcript NM_000271.5 (MANE Select); coding-DNA position 1844, G replaced by A.
Protein change: p.Arg615His; replaces arginine 615 with histidine.
Molecular consequence: missense variant.
Genome position (GRCh38, 1-based): chr18:23,545,063, C>T on the plus strand (G>A on the coding strand, the complement: NPC1 is on the minus strand). VCF-style: chr18-23545063-C-T. GRCh37 (hg19) VCF-style: chr18-21125027-C-T.
Other names: c.1844G>A (NM_000271.4); short protein forms R615H.
Identifiers: ClinVar variation 1491496 (VCV001491496.7), dbSNP rs773351341, ClinGen allele CA401772841.